The following is an entry in ClinVar:

NM_001844.5(COL2A1):c.1528-2del

Gene: COL2A1 (collagen type II alpha 1 chain; minus strand). Cytogenetic location: 12q13.11.
Variant type: Deletion.
Coding change: c.1528-2del on transcript NM_001844.5 (MANE Select); the canonical splice acceptor site of the intron before coding-DNA position 1528, one base deleted (A; older notation c.1528-2delA).
Molecular consequence: splice acceptor variant.
Genome position (GRCh38, 1-based): chr12:47,985,967, T deleted on the plus strand (A on the coding strand, the reverse complement: COL2A1 is on the minus strand). VCF-style (leftmost placement, unchanged base first): chr12-47985966-CT-C. GRCh37 (hg19) VCF-style: chr12-48379749-CT-C.
Other names: c.1321-2del (NM_033150.3).
Identifiers: ClinVar variation 2573019 (VCV002573019.1), dbSNP rs2540147569, ClinGen allele CA2580615250.

ClinVar aggregate classification (germline): Pathogenic (1 of 4 stars; one submission).

Conditions:
Stickler syndrome type 1 (STL1). Also called: STICKLER SYNDROME, MEMBRANOUS VITREOUS TYPE; STICKLER SYNDROME, VITREOUS TYPE 1; COL2A1-Related Stickler Syndrome; ARTHROOPHTHALMOPATHY, HEREDITARY PROGRESSIVE. Identifiers: Orphanet 828, Orphanet 90653, MedGen C2020284, MONDO:0007160, OMIM 108300.

Submission:

Illumina Laboratory Services, Illumina
Classification: Pathogenic for Stickler syndrome type 1. Last evaluated: 2023-02-02. Review status: criteria provided, single submitter. Criteria: ICSLVariantClassificationCriteria RUGD 01 April 2020. Collection method: clinical testing. Allele origin: unknown.
Comment: The COL2A1 c.1528-2del variant results in the deletion of a thymine within the consensus splice acceptor site, which may result in splicing defects. To our knowledge, this variant has not been reported in the peer-reviewed literature and is not found in version 2.1.1 or version 3.1.2 of the Genome Aggregation Database. This variant segregated with disease. Based on the available evidence, the c.1528-2del variant is classified as pathogenic for Stickler syndrome.